The following is an entry in ClinVar:

ClinVar aggregate classification (germline): Uncertain significance. Review status: criteria provided, multiple submitters, no conflicts (2 of 4 stars). 3 submissions from 3 submitters: Uncertain significance (3). Last evaluated 2025-08-29.

Conditions:
Xanthinuria type II. Also called: Xanthine dehydrogenase and aldehyde oxidase combined deficiency of; XDH and AOX dual deficiency. Identifiers: Orphanet 3467, Orphanet 93602, MedGen C1863688, MONDO:0011346, OMIM 603592.
Hereditary xanthinuria type 1 (XAN1). Identifiers: Orphanet 3467, Orphanet 93601, MedGen C0268118, MONDO:0010209, OMIM 278300.

Allele frequency attached by ClinVar (database versions not stated): TOPMed 0.00008.

Submissions (3):

Labcorp Genetics (formerly Invitae), Labcorp
Classification: Uncertain significance for Xanthinuria type II. Last evaluated: 2025-08-29. Review status: criteria provided, single submitter. Criteria: Invitae Variant Classification Sherloc (09022015). Collection method: clinical testing. Allele origin: germline.
Comment: This sequence change replaces leucine, which is neutral and non-polar, with methionine, which is neutral and non-polar, at codon 494 of the XDH protein (p.Leu494Met). This variant is present in population databases (rs767352182, gnomAD 0.06%). This variant has not been reported in the literature in individuals affected with XDH-related conditions. ClinVar contains an entry for this variant (Variation ID: 897062). An algorithm developed to predict the effect of missense changes on protein structure and function outputs the following: PolyPhen-2: "Benign". The methionine amino acid residue is found in multiple mammalian species, which suggests that this missense change does not adversely affect protein function. In summary, the available evidence is currently insufficient to determine the role of this variant in disease. Therefore, it has been classified as a Variant of Uncertain Significance.

Fulgent Genetics
Classification: Uncertain significance for Hereditary xanthinuria type 1. Last evaluated: 2024-06-25. Review status: criteria provided, single submitter. Criteria: ACMG Guidelines, 2015. Collection method: clinical testing. Allele origin: germline.

Illumina Laboratory Services, Illumina
Classification: Uncertain significance for Hereditary xanthinuria type 1. Last evaluated: 2018-01-13. Review status: criteria provided, single submitter. Criteria: ICSL Variant Classification Criteria 13 December 2019. Collection method: clinical testing. Allele origin: germline.

NM_000379.4(XDH):c.1480C>A (p.Leu494Met)

Gene: XDH (xanthine dehydrogenase; minus strand). Cytogenetic location: 2p23.1.
Variant type: single nucleotide variant.
Coding change: c.1480C>A on transcript NM_000379.4 (MANE Select); coding-DNA position 1480, C replaced by A.
Protein change: p.Leu494Met; replaces leucine 494 with methionine.
Molecular consequence: missense variant.
Genome position (GRCh38, 1-based): chr2:31,375,502, G>T on the plus strand (C>A on the coding strand, the complement: XDH is on the minus strand). VCF-style: chr2-31375502-G-T. GRCh37 (hg19) VCF-style: chr2-31598368-G-T.
Other names: short protein forms L494M.
Identifiers: ClinVar variation 897062 (VCV000897062.9), dbSNP rs767352182, ClinGen allele CA1599217.